The following is an entry in ClinVar:

NC_000006.11:g.(?_65523251)_(65767640_?)dup

Gene: EYS (eyes shut homolog; minus strand). Cytogenetic location: 6q12.
Variant type: Duplication.
Identifiers: ClinVar variation 3246137 (VCV003246137.1).

ClinVar aggregate classification (germline): Pathogenic (1 of 4 stars; one submission).

Submission:

Labcorp Genetics (formerly Invitae), Labcorp
Classification: Pathogenic. Last evaluated: 2024-01-19. Review status: criteria provided, single submitter. Criteria: Invitae Variant Classification Sherloc (09022015). Collection method: clinical testing. Allele origin: unknown.
Comment: This variant results in a copy number gain of the genomic region encompassing exon(s) 13-22 of the EYS gene. While the exact position of this variant cannot be determined from the data, sub-genic copy number gains are generally in tandem (PMID: 25640679). This variant is predicted to be out-of-frame, and may result in an absent or disrupted protein product. Loss-of-function variants in EYS are known to be pathogenic (PMID: 18836446, 20333770). A similar copy number variant has been observed in individuals with retinal dystrophy (Invitae). For these reasons, this variant has been classified as Pathogenic.

Literature cited by the submitters: PubMed 25640679; PubMed 18836446; PubMed 20333770.